The following is an entry in ClinVar:

ClinVar aggregate classification (germline): Uncertain significance (1 of 4 stars; one submission).

Allele frequency attached by ClinVar (database versions not stated): gnomAD exomes 0.00003; ExAC 0.00005; gnomAD 0.00007; ESP Exome Variant Server 0.00008; TOPMed 0.00008.
gnomAD v4.1: 63 of 1,613,884 alleles (0.0039%); highest among the groups gnomAD compares: Admixed American, 0.072%; 1 homozygote.

Submission:

Labcorp Genetics (formerly Invitae), Labcorp
Classification: Uncertain significance. Last evaluated: 2022-08-24. Review status: criteria provided, single submitter. Criteria: Invitae Variant Classification Sherloc (09022015). Collection method: clinical testing. Allele origin: germline.
Comment: This sequence change affects codon 618 of the ITGA6 mRNA. It is a 'silent' change, meaning that it does not change the encoded amino acid sequence of the ITGA6 protein. It affects a nucleotide within the consensus splice site. This variant is present in population databases (rs370708711, gnomAD 0.09%). This variant has not been reported in the literature in individuals affected with ITGA6-related conditions. Algorithms developed to predict the effect of sequence changes on RNA splicing suggest that this variant is not likely to affect RNA splicing. In summary, the available evidence is currently insufficient to determine the role of this variant in disease. Therefore, it has been classified as a Variant of Uncertain Significance.

NM_000210.4(ITGA6):c.1854T>C (p.Asp618=)

Genes: PDK1-AS1 (PDK1 and ITGA6 antisense RNA 1; minus strand), ITGA6 (integrin subunit alpha 6; plus strand). Cytogenetic location: 2q31.1.
Variant type: single nucleotide variant.
Coding change: c.1854T>C on transcript NM_000210.4 (MANE Select); coding-DNA position 1854, T replaced by C.
Protein change: p.Asp618=; no amino-acid change (aspartic acid 618 retained).
Molecular consequence: synonymous variant.
Genome position (GRCh38, 1-based): chr2:172,485,264, T>C. VCF-style: chr2-172485264-T-C. GRCh37 (hg19) VCF-style: chr2-173349992-T-C.
Other names: c.1854T>C, p.Asp618= (NM_001079818.3, NM_001365529.2, NM_001365530.2); c.1497T>C, p.Asp499= (NM_001316306.2); c.1971T>C, p.Asp657= (NM_001394928.1).
Identifiers: ClinVar variation 2047527 (VCV002047527.1), dbSNP rs370708711, ClinGen allele CA1968230.